The following is an entry in ClinVar:

ClinVar aggregate classification (germline): Uncertain significance (1 of 4 stars; one submission).

Conditions:
Epidermolysis bullosa simplex 5B, with muscular dystrophy (EBS5B). Also called: Epidermolysis bullosa simplex with muscular dystrophy; EPIDERMOLYSIS BULLOSA SIMPLEX AND LIMB-GIRDLE MUSCULAR DYSTROPHY. Identifiers: Orphanet 257, MedGen C2931072, MONDO:0009181, OMIM 226670.
Epidermolysis bullosa simplex, Ogna type (EBS5A). Also called: EPIDERMOLYSIS BULLOSA SIMPLEX 5A, OGNA TYPE; Pidermolysis bullosa simplex 5A, Ogna type. Identifiers: Orphanet 79401, MedGen C0432317, MONDO:0007555, OMIM 131950.
Epidermolysis bullosa simplex 5C, with pyloric atresia (EBS5C). Also called: PLEC-Related Epidermolysis Bullosa with Pyloric Atresia; Epidermolysis bullosa simplex with pyloric atresia; PLEC1-Related Epidermolysis Bullosa with Pyloric Atresia. Identifiers: Orphanet 158684, MedGen C2677349, MONDO:0012807, OMIM 612138.
Epidermolysis bullosa simplex with nail dystrophy (EBS5D). Identifiers: MedGen C4225309, MONDO:0014661, OMIM 616487.
Autosomal recessive limb-girdle muscular dystrophy type 2Q (LGMDR17). Also called: MUSCULAR DYSTROPHY, LIMB-GIRDLE, AUTOSOMAL RECESSIVE 17. Identifiers: Orphanet 254361, MedGen C3150989, MONDO:0013390, OMIM 613723.

gnomAD v4.1: 4 of 1,613,356 alleles (0.00025%); highest among the groups gnomAD compares: Admixed American, 0.0067%; no homozygotes.

Submission:

Labcorp Genetics (formerly Invitae), Labcorp
Classification: Uncertain significance for Autosomal recessive limb-girdle muscular dystrophy type 2Q; Epidermolysis bullosa simplex, Ogna type; Epidermolysis bullosa simplex with nail dystrophy; Epidermolysis bullosa simplex 5C, with pyloric atresia; Epidermolysis bullosa simplex 5B, with muscular dystrophy. Last evaluated: 2025-02-10. Review status: criteria provided, single submitter. Criteria: Invitae Variant Classification Sherloc (09022015). Collection method: clinical testing. Allele origin: germline.
Comment: This sequence change replaces valine, which is neutral and non-polar, with isoleucine, which is neutral and non-polar, at codon 3306 of the PLEC protein (p.Val3306Ile). This variant is present in population databases (rs200407723, gnomAD 0.009%). This variant has not been reported in the literature in individuals affected with PLEC-related conditions. ClinVar contains an entry for this variant (Variation ID: 1916342). An algorithm developed to predict the effect of missense changes on protein structure and function (PolyPhen-2) suggests that this variant is likely to be tolerated. In summary, the available evidence is currently insufficient to determine the role of this variant in disease. Therefore, it has been classified as a Variant of Uncertain Significance.

NM_201384.3(PLEC):c.9835G>A (p.Val3279Ile)

Gene: PLEC (plectin; minus strand). Cytogenetic location: 8q24.3.
Variant type: single nucleotide variant.
Coding change: c.9835G>A on transcript NM_201384.3 (MANE Select); coding-DNA position 9835, G replaced by A.
Protein change: p.Val3279Ile; replaces valine 3279 with isoleucine.
Molecular consequence: missense variant.
Genome position (GRCh38, 1-based): chr8:143,919,986, C>T on the plus strand (G>A on the coding strand, the complement: PLEC is on the minus strand). VCF-style: chr8-143919986-C-T. GRCh37 (hg19) VCF-style: chr8-144994154-C-T.
Other names: c.9916G>A, p.Val3306Ile (NM_000445.5); c.6535G>A, p.Val2179Ile (NM_001410941.1); c.9793G>A, p.Val3265Ile (NM_201378.4); c.9769G>A, p.Val3257Ile (NM_201379.3); c.10246G>A, p.Val3416Ile (NM_201380.4); c.9739G>A, p.Val3247Ile (NM_201381.3); c.9835G>A, p.Val3279Ile (NM_201382.4); c.9847G>A, p.Val3283Ile (NM_201383.3); short protein forms V3279I, V3306I, V2179I, V3257I, V3247I, V3265I, V3283I, V3416I.
Identifiers: ClinVar variation 1916342 (VCV001916342.5), dbSNP rs200407723, ClinGen allele CA4924836.